The following is an entry in ClinVar:

NM_018979.4(WNK1):c.6313C>G (p.Leu2105Val)

Gene: WNK1 (WNK lysine deficient protein kinase 1; plus strand). Cytogenetic location: 12p13.33.
Variant type: single nucleotide variant.
Coding change: c.6313C>G on transcript NM_018979.4 (MANE Select); coding-DNA position 6313, C replaced by G.
Protein change: p.Leu2105Val; replaces leucine 2105 with valine.
Molecular consequence: missense variant.
Genome position (GRCh38, 1-based): chr12:897,546, C>G. VCF-style: chr12-897546-C-G. GRCh37 (hg19) VCF-style: chr12-1006712-C-G.
Other names: c.7093C>G, p.Leu2365Val (NM_001184985.2); c.5569C>G, p.Leu1857Val (NM_014823.3); c.7069C>G, p.Leu2357Val (NM_213655.5); short protein forms L1857V, L2365V, L2105V, L2357V.
Identifiers: ClinVar variation 1348646 (VCV001348646.8), dbSNP rs1199697447, ClinGen allele CA383337164.

ClinVar aggregate classification (germline): Uncertain significance (1 of 4 stars; one submission).

Conditions:
Neuropathy, hereditary sensory and autonomic, type 2A (HSAN2A). Also called: WNK1-Related HSAN2 (HSAN2A); MORVAN DISEASE; NEUROPATHY, CONGENITAL SENSORY; NEUROPATHY, HEREDITARY SENSORY RADICULAR, AUTOSOMAL RECESSIVE; NEUROPATHY, HEREDITARY SENSORY, TYPE IIA; NEUROPATHY, PROGRESSIVE SENSORY, OF CHILDREN. Identifiers: Orphanet 970, MedGen C2752089, MONDO:0024309, OMIM 201300.
Pseudohypoaldosteronism type 2C (PHA2C). Also called: Pseudohypoaldosteronism Type IIC. Identifiers: Orphanet 757, Orphanet 88940, MedGen C1840391, MONDO:0013778, OMIM 614492.

Allele frequency attached by ClinVar (database versions not stated): gnomAD exomes below 0.00001 and 0.00002; gnomAD 0.00001.
gnomAD v4.1: 30 of 1,613,400 alleles (0.0019%); highest among the groups gnomAD compares: Non-Finnish European, 0.0025%; no homozygotes.

Submission:

Labcorp Genetics (formerly Invitae), Labcorp
Classification: Uncertain significance for Neuropathy, hereditary sensory and autonomic, type 2A; Pseudohypoaldosteronism type 2C. Last evaluated: 2023-01-07. Review status: criteria provided, single submitter. Criteria: Invitae Variant Classification Sherloc (09022015). Collection method: clinical testing. Allele origin: germline.
Comment: ClinVar contains an entry for this variant (Variation ID: 1348646). In summary, the available evidence is currently insufficient to determine the role of this variant in disease. Therefore, it has been classified as a Variant of Uncertain Significance. Algorithms developed to predict the effect of missense changes on protein structure and function are either unavailable or do not agree on the potential impact of this missense change (SIFT: "Deleterious"; PolyPhen-2: "Not Available"; Align-GVGD: "Class C25"). This variant has not been reported in the literature in individuals affected with WNK1-related conditions. This variant is present in population databases (no rsID available, gnomAD 0.0009%). This sequence change replaces leucine, which is neutral and non-polar, with valine, which is neutral and non-polar, at codon 2357 of the WNK1 protein (p.Leu2357Val).